The following is an entry in ClinVar:

ClinVar aggregate classification (germline): Uncertain significance (1 of 4 stars; one submission).

Submission:

Labcorp Genetics (formerly Invitae), Labcorp
Classification: Uncertain significance. Last evaluated: 2021-10-23. Review status: criteria provided, single submitter. Criteria: Invitae Variant Classification Sherloc (09022015). Collection method: clinical testing. Allele origin: germline.
Comment: Algorithms developed to predict the effect of missense changes on protein structure and function (SIFT, PolyPhen-2, Align-GVGD) all suggest that this variant is likely to be disruptive. This sequence change replaces glycine with serine at codon 84 of the CAMK2B protein (p.Gly84Ser). The glycine residue is highly conserved and there is a small physicochemical difference between glycine and serine. This variant is not present in population databases (ExAC no frequency). This variant has not been reported in the literature in individuals affected with CAMK2B-related conditions. In summary, the available evidence is currently insufficient to determine the role of this variant in disease. Therefore, it has been classified as a Variant of Uncertain Significance.

NM_001220.5(CAMK2B):c.250G>A (p.Gly84Ser)

Gene: CAMK2B (calcium/calmodulin dependent protein kinase II beta; minus strand). Cytogenetic location: 7p13.
Variant type: single nucleotide variant.
Coding change: c.250G>A on transcript NM_001220.5 (MANE Select); coding-DNA position 250, G replaced by A.
Protein change: p.Gly84Ser; replaces glycine 84 with serine.
Molecular consequence: missense variant.
Genome position (GRCh38, 1-based): chr7:44,258,897, C>T on the plus strand (G>A on the coding strand, the complement: CAMK2B is on the minus strand). VCF-style: chr7-44258897-C-T. GRCh37 (hg19) VCF-style: chr7-44298496-C-T.
Other names: c.250G>A, p.Gly84Ser (NM_001293170.2, NM_172078.3, NM_172079.3 and 5 more transcripts); short protein forms G84S.
Identifiers: ClinVar variation 1391889 (VCV001391889.6), dbSNP rs200233877, ClinGen allele CA367371960.